The following is an entry in ClinVar:

NM_000277.3(PAH):c.839_840insT (p.Glu280fs)

Gene: PAH (phenylalanine hydroxylase; minus strand). Cytogenetic location: 12q23.2.
Variant type: Insertion.
Coding change: c.839_840insT on transcript NM_000277.3 (MANE Select); coding-DNA positions 839 to 840, T inserted.
Protein change: p.Glu280fs; shifts the reading frame from glutamic acid 280.
Molecular consequence: frameshift variant.
Genome position: GRCh38 VCF-style: chr12-102852817-T-TA. GRCh37 (hg19) VCF-style: chr12-103246595-T-TA.
Other names: NM_000277.2(PAH):c.839_840insT; p.Glu280Aspfs; c.839_840insT, p.Glu280fs (NM_001354304.2); short protein forms E280fs.
Identifiers: ClinVar variation 102867 (VCV000102867.1), dbSNP rs199475653, ClinGen allele CA229810.

ClinVar aggregate classification (germline): Pathogenic. Review status: reviewed by expert panel (3 of 4 stars). 2 submissions from 2 submitters: Pathogenic (1). 1 of the submissions does not count toward it. Last evaluated 2023-10-15.

Conditions:
Phenylketonuria (PKU). Also called: Phenylketonuria (PKU); FOLLING DISEASE; OLIGOPHRENIA PHENYLPYRUVICA; Phenylketonurias. Identifiers: Orphanet 716, MedGen C0031485, MONDO:0009861, OMIM 261600. Disease mechanism: loss of function.

Submissions (2):

ClinGen PAH Variant Curation Expert Panel
Classification: Pathogenic for Phenylketonuria. Last evaluated: 2023-10-15. Review status: reviewed by expert panel. Criteria: ClinGen PAH ACMG Specifications v1. Collection method: curation. Allele origin: germline. Inheritance: Autosomal recessive inheritance.
Comment: The c.839_840insT (p.Glu280Aspfs) variant in PAH has been reported in an individual with PKU (PP4; 15300621). This variant has is absent from ExAC and gnomAD (PM2_supporting). It is a null variant (frameshift) in exon 7/13 with NMD predicted (PVS1). In summary, this variant meets criteria to be classified as pathogenic for PAH. PAH-specific ACMG/AMP criteria applied: PVS1, PM2_supporting, PP4.

DeBelle Laboratory for Biochemical Genetics, MUHC/MCH RESEARCH INSTITUTE
No classification provided. Review status: no classification provided. Collection method: not provided. Allele origin: not provided. Not counted in ClinVar's aggregate classification.

Literature cited by the submitters: PubMed 15300621 (cited by ClinGen PAH Variant Curation Expert Panel).